The following is an entry in ClinVar:

ClinVar aggregate classification (germline): Uncertain significance (1 of 4 stars; one submission).

Submission:

GeneDx
Classification: Uncertain significance. Last evaluated: 2022-09-02. Review status: criteria provided, single submitter. Criteria: GeneDx Variant Classification Process June 2021. Collection method: clinical testing. Allele origin: germline. Affected: yes.
Comment: Not observed at significant frequency in large population cohorts (gnomAD); In silico analysis supports that this missense variant has a deleterious effect on protein structure/function; Has not been previously published as pathogenic or benign to our knowledge; Variants in candidate genes are classified as variants of uncertain significance in accordance with ACMG guidelines (Richards et al., 2015)

NM_001367943.1(TCF7L2):c.1060C>T (p.Leu354Phe)

Gene: TCF7L2 (transcription factor 7 like 2; plus strand). Cytogenetic location: 10q25.3.
Variant type: single nucleotide variant.
Coding change: c.1060C>T on transcript NM_001367943.1 (MANE Select); coding-DNA position 1060, C replaced by T.
Protein change: p.Leu354Phe; replaces leucine 354 with phenylalanine.
Molecular consequence: missense variant.
Genome position (GRCh38, 1-based): chr10:113,151,783, C>T. VCF-style: chr10-113151783-C-T. GRCh37 (hg19) VCF-style: chr10-114911542-C-T.
Other names: c.1060C>T, p.Leu354Phe (NM_001146274.2, NM_001198531.2, NM_001363501.2); c.1132C>T, p.Leu378Phe (NM_001146283.2); c.979C>T, p.Leu327Phe (NM_001146284.2, NM_001198527.2); c.991C>T, p.Leu331Phe (NM_001146285.2, NM_001146286.2, NM_001198526.2 and 3 more transcripts); c.1006C>T, p.Leu336Phe (NM_001198525.2); c.889C>T, p.Leu297Phe (NM_001198530.2); c.631C>T, p.Leu211Phe (NM_001349870.2); c.511C>T, p.Leu171Phe (NM_001349871.1); short protein forms L171F, L211F, L297F, L327F, L331F, L336F, L354F, L378F.
Identifiers: ClinVar variation 2501987 (VCV002501987.1), dbSNP rs2137153036, ClinGen allele CA378408853.
Genomic context (GRCh38, chr10:113,151,783, plus strand): 5'-AGAAAGCATCAGGACTCCAAAAAGGAAGAAGAAAAGAAGAAGCCCCACATAAAGAAACCT[C>T]TTAATGCATTCATGTTGTATATGAAGGAAATGAGAGCAAAGGTCGTAGCTGAGTGCACGT-3'
Protein context (NP_001354872.1, residues 344-364): EKKKPHIKKP[Leu354Phe]NAFMLYMKEM